The following is an entry in ClinVar:

NM_000020.3(ACVRL1):c.361del (p.Ala120_Leu121insTer)

Gene: ACVRL1 (activin A receptor like type 1; plus strand). Cytogenetic location: 12q13.13.
Variant type: Deletion.
Coding change: c.361del on transcript NM_000020.3 (MANE Select); coding-DNA position 361, one base deleted (C; older notation c.361delC).
Protein change: p.Ala120_Leu121insTer.
Molecular consequence: nonsense. On other transcripts: frameshift variant (3).
Genome position (GRCh38, 1-based): chr12:51,913,606, C deleted; the last of 3 consecutive C bases (chr12:51,913,604-51,913,606); deleting any one gives the same sequence. VCF-style (leftmost placement, unchanged base first): chr12-51913603-GC-G. GRCh37 (hg19) VCF-style: chr12-52307387-GC-G.
Other names: c.361del, p.Ala120_Leu121insTer (NM_001077401.2); c.361delC, p.Leu121Terfs (NM_001406487.1, NM_001406488.1, NM_001406489.1).
Identifiers: ClinVar variation 1733305 (VCV001733305.2), dbSNP rs2540160443, ClinGen allele CA2580086445.

ClinVar aggregate classification (germline): Pathogenic (1 of 4 stars; one submission).

Conditions:
Cardiovascular phenotype. Identifiers: MedGen CN230736.

Submission:

Ambry Genetics
Classification: Pathogenic for Cardiovascular phenotype. Last evaluated: 2020-11-03. Review status: criteria provided, single submitter. Criteria: Ambry Variant Classification Scheme 2023. Collection method: clinical testing. Allele origin: germline.
Comment: The c.361delC pathogenic mutation, located in coding exon 3 of the ACVRL1 gene, results from a deletion of one nucleotide at nucleotide position 361, causing a translational frameshift with a predicted alternate stop codon (p.L121*). This alteration is expected to result in loss of function by premature protein truncation or nonsense-mediated mRNA decay. As such, this alteration is interpreted as a disease-causing mutation.